The following is an entry in ClinVar:

NM_001291303.3(FAT4):c.14738G>A (p.Gly4913Asp)

Gene: FAT4 (FAT atypical cadherin 4; plus strand). Cytogenetic location: 4q28.1.
Variant type: single nucleotide variant.
Coding change: c.14738G>A on transcript NM_001291303.3 (MANE Select); coding-DNA position 14738, G replaced by A.
Protein change: p.Gly4913Asp; replaces glycine 4913 with aspartic acid.
Molecular consequence: missense variant.
Genome position (GRCh38, 1-based): chr4:125,491,554, G>A. VCF-style: chr4-125491554-G-A. GRCh37 (hg19) VCF-style: chr4-126412709-G-A.
Other names: c.14735G>A, p.Gly4912Asp (NM_001291285.3); c.14732G>A, p.Gly4911Asp (NM_024582.6); c.14738G>A (NM_001291303.1); short protein forms G4911D, G4912D, G4913D.
Identifiers: ClinVar variation 1528837 (VCV001528837.11), dbSNP rs765666547, ClinGen allele CA3074618.
Genomic context (GRCh38, chr4:125,491,554, plus strand): 5'-GAAGGTACCACGGTCGCAGGGCCGAGGGAGGACCTGTGGGCACCCAGGCAGCAGCACCAG[G>A]CACTGCTGACAACACACTGCCCATGAAGCTAGGGCAGCAAGCAGGGACTTTCAACTGGGA-3'
Protein context (NP_001278232.1, residues 4903-4923): GPVGTQAAAP[Gly4913Asp]TADNTLPMKL

ClinVar aggregate classification (germline): Benign. Review status: criteria provided, multiple submitters, no conflicts (2 of 4 stars). 3 submissions from 3 submitters: Benign (2). 1 of the submissions does not count toward it. Last evaluated 2025-11-03.

Conditions:
FAT4-related disorder. Also called: FAT4-related condition.

Allele frequency attached by ClinVar (database versions not stated): gnomAD 0.00002; TOPMed 0.00005; ExAC 0.00010; gnomAD exomes 0.00011.
gnomAD v4.1: 74 of 1,614,064 alleles (0.0046%); highest among the groups gnomAD compares: Non-Finnish European, 0.001%; no homozygotes.

Submissions (3):

Labcorp Genetics (formerly Invitae), Labcorp
Classification: Benign. Last evaluated: 2025-11-03. Review status: criteria provided, single submitter. Criteria: Invitae Variant Classification Sherloc (09022015). Collection method: clinical testing. Allele origin: germline.

Breakthrough Genomics
Classification: Benign. Review status: criteria provided, single submitter. Criteria: ACMG Guidelines, 2015. Collection method: not provided. Allele origin: germline. Inheritance: Autosomal recessive inheritance. Affected: yes.

PreventionGenetics, part of Exact Sciences
Classification: Likely benign for FAT4-related condition. Last evaluated: 2023-09-02. Review status: no assertion criteria provided. Collection method: clinical testing. Allele origin: germline. Not counted in ClinVar's aggregate classification.
Comment: This variant is classified as likely benign based on ACMG/AMP sequence variant interpretation guidelines (Richards et al. 2015 PMID: 25741868, with internal and published modifications).